The following is an entry in ClinVar:

NM_000260.4(MYO7A):c.1562A>G (p.Asp521Gly)

Gene: MYO7A (myosin VIIA; plus strand). Cytogenetic location: 11q13.5.
Variant type: single nucleotide variant.
Coding change: c.1562A>G on transcript NM_000260.4 (MANE Select); coding-DNA position 1562, A replaced by G.
Protein change: p.Asp521Gly; replaces aspartic acid 521 with glycine.
Molecular consequence: missense variant.
Genome position (GRCh38, 1-based): chr11:77,162,860, A>G. VCF-style: chr11-77162860-A-G. GRCh37 (hg19) VCF-style: chr11-76873906-A-G.
Other names: c.1562A>G, p.Asp521Gly (NM_001127180.2); c.1529A>G, p.Asp510Gly (NM_001369365.1); short protein forms D510G, D521G.
Identifiers: ClinVar variation 1415169 (VCV001415169.6), dbSNP rs782258583, ClinGen allele CA6197522.

ClinVar aggregate classification (germline): Uncertain significance (1 of 4 stars; one submission).

Allele frequency attached by ClinVar (database versions not stated): gnomAD exomes below 0.00001; ExAC 0.00001.
gnomAD v4.1: 1 of 1,613,718 alleles (0.000062%); highest among the groups gnomAD compares: Non-Finnish European, 0.000085%; no homozygotes.

Submission:

Labcorp Genetics (formerly Invitae), Labcorp
Classification: Uncertain significance. Last evaluated: 2022-05-20. Review status: criteria provided, single submitter. Criteria: Invitae Variant Classification Sherloc (09022015). Collection method: clinical testing. Allele origin: germline.
Comment: In summary, the available evidence is currently insufficient to determine the role of this variant in disease. Therefore, it has been classified as a Variant of Uncertain Significance. Advanced modeling of protein sequence and biophysical properties (such as structural, functional, and spatial information, amino acid conservation, physicochemical variation, residue mobility, and thermodynamic stability) performed at Invitae indicates that this missense variant is expected to disrupt MYO7A protein function. This variant has not been reported in the literature in individuals affected with MYO7A-related conditions. This variant is present in population databases (rs782258583, gnomAD 0.0009%). This sequence change replaces aspartic acid, which is acidic and polar, with glycine, which is neutral and non-polar, at codon 521 of the MYO7A protein (p.Asp521Gly).